The following is an entry in ClinVar:

NM_003470.3(USP7):c.3125T>C (p.Ile1042Thr)

Gene: USP7 (ubiquitin specific peptidase 7; minus strand). Cytogenetic location: 16p13.2.
Variant type: single nucleotide variant.
Coding change: c.3125T>C on transcript NM_003470.3 (MANE Select); coding-DNA position 3125, T replaced by C.
Protein change: p.Ile1042Thr; replaces isoleucine 1042 with threonine.
Molecular consequence: missense variant. On other transcripts: non-coding transcript variant (1).
Genome position (GRCh38, 1-based): chr16:8,894,627, A>G on the plus strand (T>C on the coding strand, the complement: USP7 is on the minus strand). VCF-style: chr16-8894627-A-G. GRCh37 (hg19) VCF-style: chr16-8988484-A-G.
Other names: c.3077T>C, p.Ile1026Thr (NM_001286457.2); c.2828T>C, p.Ile943Thr (NM_001286458.2); c.2951T>C, p.Ile984Thr (NM_001321858.2); short protein forms I1026T, I1042T, I943T, I984T.
Identifiers: ClinVar variation 2581965 (VCV002581965.1), dbSNP rs2549212585, ClinGen allele CA394695067.
Genomic context (GRCh38, chr16:8,894,627, plus strand): 5'-TCTTTCAAATTTACTTCATACTCGTCTTCATTTATGTACTGGTGTCGGCCCATCATTACA[A>G]TTGCAAATTTAAACTAAAAGAAAAAAAATTAAAACTCCTCCGTTATTTCTGTATATCAGC-3'
Protein context (NP_003461.2, residues 1032-1052): EKEFEKFKFA[Ile1042Thr]VMMGRHQYIN

ClinVar aggregate classification (germline): Uncertain significance (1 of 4 stars; one submission).

Submission:

GeneDx
Classification: Uncertain significance. Last evaluated: 2023-03-31. Review status: criteria provided, single submitter. Criteria: GeneDx Variant Classification Process June 2021. Collection method: clinical testing. Allele origin: germline. Affected: yes.
Comment: Not observed at significant frequency in large population cohorts (gnomAD); In silico analysis supports that this missense variant has a deleterious effect on protein structure/function; Has not been previously published as pathogenic or benign to our knowledge